The following is an entry in ClinVar:

ClinVar aggregate classification (germline): Conflicting classifications of pathogenicity. Review status: criteria provided, conflicting classifications (1 of 4 stars). 5 submissions from 5 submitters: Uncertain significance (4); Likely benign (1). Last evaluated 2026-08-19.

Conditions:
Hereditary nonpolyposis colorectal neoplasms. Identifiers: MedGen C0009405, MeSH D003123.
Hereditary cancer-predisposing syndrome. Also called: Tumor predisposition; Hereditary Cancer Syndrome; Hereditary neoplastic syndrome; Neoplastic Syndromes, Hereditary. Identifiers: Orphanet 140162, MedGen C0027672, MeSH D009386, MONDO:0015356.
Lynch syndrome. Identifiers: Orphanet 144, MedGen C4552100, MONDO:0005835. Disease mechanism: loss of function.

Allele frequency attached by ClinVar (database versions not stated): gnomAD 0.00001.

Submissions (5):

Hema, HEMA – Genetic and Molecular Diagnostic Laboratory
Classification: Uncertain significance for Lynch syndrome. Last evaluated: 2026-08-19. Review status: criteria provided, single submitter. Criteria: HEMA Variant Classification Assertion Criteria. Collection method: clinical testing. Allele origin: germline.
Comment: The c.1168G>T variant is a transversion from guanine to thymine, resulting in the substitution of aspartic acid 390 by tyrosine in the MSH6 protein. PM2_Supporting: Present at very low frequency in gnomAD. BP4: Prior probability of pathogenicity score MAPP/PP2 = 0.0858 < 0.11.

Labcorp Genetics (formerly Invitae), Labcorp
Classification: Likely benign for Hereditary nonpolyposis colorectal neoplasms. Last evaluated: 2025-10-25. Review status: criteria provided, single submitter. Criteria: Invitae Variant Classification Sherloc (09022015). Collection method: clinical testing. Allele origin: germline.

Ambry Genetics
Classification: Uncertain significance for Hereditary cancer-predisposing syndrome. Last evaluated: 2025-09-29. Review status: criteria provided, single submitter. Criteria: Ambry Variant Classification Scheme 2023. Collection method: clinical testing. Allele origin: germline.
Comment: The p.D390Y variant (also known as c.1168G>T), located in coding exon 4 of the MSH6 gene, results from a G to T substitution at nucleotide position 1168. The aspartic acid at codon 390 is replaced by tyrosine, an amino acid with highly dissimilar properties. This amino acid position is well conserved in available vertebrate species. In addition, this alteration is predicted to be deleterious by in silico analysis. Since supporting evidence is limited at this time, the clinical significance of this alteration remains unclear.

Color Diagnostics, LLC DBA Color Health
Classification: Uncertain significance for Hereditary cancer-predisposing syndrome. Last evaluated: 2023-09-18. Review status: criteria provided, single submitter. Criteria: ACMG Guidelines, 2015. Collection method: clinical testing. Allele origin: germline.
Comment: This missense variant replaces aspartic acid with tyrosine at codon 390 of the MSH6 protein. Computational prediction is inconclusive regarding the impact of this variant on protein structure and function (internally defined REVEL score threshold 0.5 < inconclusive < 0.7, PMID: 27666373). To our knowledge, functional studies have not been reported for this variant. This variant has not been reported in individuals affected with MSH6-related disorders in the literature. This variant has not been identified in the general population by the Genome Aggregation Database (gnomAD). The available evidence is insufficient to determine the role of this variant in disease conclusively. Therefore, this variant is classified as a Variant of Uncertain Significance.

All of Us Research Program, National Institutes of Health
Classification: Uncertain significance for Lynch syndrome. Last evaluated: 2023-04-27. Review status: criteria provided, single submitter. Criteria: ACMG Guidelines, 2015. Collection method: clinical testing. Allele origin: germline. Inheritance: Autosomal dominant inheritance. Observed: 1 variant allele, 1 heterozygote.
Comment: This missense variant replaces aspartic acid with tyrosine at codon 390 of the MSH6 protein. Computational prediction is inconclusive regarding the impact of this variant on protein structure and function (internally defined REVEL score threshold 0.5 < inconclusive < 0.7, PMID: 27666373). To our knowledge, functional studies have not been reported for this variant. This variant has not been reported in individuals affected with hereditary cancer in the literature. This variant has not been identified in the general population by the Genome Aggregation Database (gnomAD). The available evidence is insufficient to determine the role of this variant in disease conclusively. Therefore, this variant is classified as a Variant of Uncertain Significance.

This study involves interpretation of variants in research participants for the purpose of population health screening. Participant phenotype was not available at the time of variant classification. Additional details can be found in publication PMID: 35346344, PMCID: PMC8962531

NM_000179.3(MSH6):c.1168G>T (p.Asp390Tyr)

Gene: MSH6 (mutS homolog 6; plus strand). Cytogenetic location: 2p16.3.
Variant type: single nucleotide variant.
Coding change: c.1168G>T on transcript NM_000179.3 (MANE Select); coding-DNA position 1168, G replaced by T.
Protein change: p.Asp390Tyr; replaces aspartic acid 390 with tyrosine.
Molecular consequence: missense variant.
Genome position (GRCh38, 1-based): chr2:47,799,151, G>T. VCF-style: chr2-47799151-G-T. GRCh37 (hg19) VCF-style: chr2-48026290-G-T.
Other names: c.778G>T, p.Asp260Tyr (NM_001281492.2); c.262G>T, p.Asp88Tyr (NM_001281493.2, NM_001281494.2); short protein forms D390Y, D88Y, D260Y.
Identifiers: ClinVar variation 455118 (VCV000455118.20), dbSNP rs147737737, ClinGen allele CA346742303.